The following is an entry in ClinVar:

ClinVar aggregate classification (germline): Likely benign (1 of 4 stars; one submission).

Submission:

CeGaT Center for Human Genetics Tuebingen
Classification: Likely benign. Last evaluated: 2026-01-01. Review status: criteria provided, single submitter. Criteria: CeGaT Center For Human Genetics Tuebingen Variant Classification Criteria Version 2. Collection method: clinical testing. Allele origin: germline. Affected: yes. Observed: 1 variant allele.
Comment: CUX2: BP4, BP7

NM_015267.4(CUX2):c.2412G>A (p.Ser804=)

Gene: CUX2 (cut like homeobox 2; plus strand). Cytogenetic location: 12q24.12.
Variant type: single nucleotide variant.
Coding change: c.2412G>A on transcript NM_015267.4 (MANE Select); coding-DNA position 2412, G replaced by A.
Protein change: p.Ser804=; no amino-acid change (serine 804 retained).
Molecular consequence: synonymous variant.
Genome position (GRCh38, 1-based): chr12:111,320,421, G>A. VCF-style: chr12-111320421-G-A. GRCh37 (hg19) VCF-style: chr12-111758225-G-A.
Other names: c.2226G>A, p.Ser742= (NM_001370598.1).
Identifiers: ClinVar variation 4822132 (VCV004822132.4).